The following is an entry in ClinVar:

NM_000093.5(COL5A1):c.2676C>A (p.Gly892=)

Gene: COL5A1 (collagen type V alpha 1 chain; plus strand). Cytogenetic location: 9q34.3.
Variant type: single nucleotide variant.
Coding change: c.2676C>A on transcript NM_000093.5 (MANE Select); coding-DNA position 2676, C replaced by A.
Protein change: p.Gly892=; no amino-acid change (glycine 892 retained).
Molecular consequence: synonymous variant.
Genome position (GRCh38, 1-based): chr9:134,789,184, C>A. VCF-style: chr9-134789184-C-A. GRCh37 (hg19) VCF-style: chr9-137681030-C-A.
Other names: c.2676C>A, p.Gly892= (NM_001278074.1).
Identifiers: ClinVar variation 236999 (VCV000236999.57), dbSNP rs143161140, ClinGen allele CA10582636.

ClinVar aggregate classification (germline): Likely benign. Review status: criteria provided, multiple submitters, no conflicts (2 of 4 stars). 5 submissions from 5 submitters: Likely benign (5). Last evaluated 2026-01-27.

Conditions:
Familial thoracic aortic aneurysm and aortic dissection (TAAD). Also called: Thoracic aortic aneurysms and dissections. Identifiers: Orphanet 91387, MedGen C4707243, MONDO:0019625.
Ehlers-Danlos syndrome, classic type, 1 (EDSCL1). Also called: EHLERS-DANLOS SYNDROME, GRAVIS TYPE; EHLERS-DANLOS SYNDROME, SEVERE CLASSIC TYPE; Ehlers-Danlos syndrome, type 1; Ehlers-Danlos Syndrome, Classic Type, COL5A1-Related; EDS I. Identifiers: MedGen C0268335, MONDO:0019567, OMIM 130000.

Allele frequency attached by ClinVar (database versions not stated): TOPMed 0.00003; ESP Exome Variant Server 0.00008.
gnomAD v4.1: 16 of 1,612,924 alleles (0.00099%); highest among the groups gnomAD compares: Non-Finnish European, 0.0013%; no homozygotes.

Submissions (5):

Women's Health and Genetics/Laboratory Corporation of America, LabCorp
Classification: Likely benign. Last evaluated: 2026-01-27. Review status: criteria provided, single submitter. Criteria: LabCorp Variant Classification Summary - May 2015. Collection method: clinical testing. Allele origin: germline.

Labcorp Genetics (formerly Invitae), Labcorp
Classification: Likely benign for Ehlers-Danlos syndrome, classic type, 1. Last evaluated: 2025-06-22. Review status: criteria provided, single submitter. Criteria: Invitae Variant Classification Sherloc (09022015). Collection method: clinical testing. Allele origin: germline.

ARUP Laboratories, Molecular Genetics and Genomics, ARUP Laboratories
Classification: Likely benign. Last evaluated: 2024-12-09. Review status: criteria provided, single submitter. Criteria: ARUP Molecular Germline Variant Investigation Process 2024. Collection method: clinical testing. Allele origin: germline.

CeGaT Center for Human Genetics Tuebingen
Classification: Likely benign. Last evaluated: 2024-12-01. Review status: criteria provided, single submitter. Criteria: CeGaT Center For Human Genetics Tuebingen Variant Classification Criteria Version 2. Collection method: clinical testing. Allele origin: germline. Affected: yes. Observed: 2 variant alleles.
Comment: COL5A1: BP4, BP7

Ambry Genetics
Classification: Likely benign for Familial thoracic aortic aneurysm and aortic dissection. Last evaluated: 2017-07-06. Review status: criteria provided, single submitter. Criteria: Ambry Variant Classification Scheme 2023. Collection method: clinical testing. Allele origin: germline.